The following is an entry in ClinVar:

NM_017755.6(NSUN2):c.*17G>A

Gene: NSUN2 (NOP2/Sun RNA methyltransferase 2; minus strand). Cytogenetic location: 5p15.31.
Variant type: single nucleotide variant.
Coding change: c.*17G>A on transcript NM_017755.6 (MANE Select); 17 bases downstream of the stop codon, G replaced by A.
Molecular consequence: 3 prime UTR variant. On other transcripts: non-coding transcript variant (1).
Genome position (GRCh38, 1-based): chr5:6,599,909, C>T on the plus strand (G>A on the coding strand, the complement: NSUN2 is on the minus strand). VCF-style: chr5-6599909-C-T. GRCh37 (hg19) VCF-style: chr5-6600022-C-T.
Other names: c.*17G>A (NM_001193455.2).
Identifiers: ClinVar variation 354046 (VCV000354046.7), dbSNP rs201903423, ClinGen allele CA3192116.
Genomic context (GRCh38, chr5:6,599,909, plus strand): 5'-TTGGTTTCAGACACCAGTGACCAGAAGAAGCCAGTTTTGCGTGTGAGGGGTGTGGGCCCC[C>T]GCTGCCTTGGGCCTGCTCACCGGGGTGGATGGACCCCCGCCGGGTCACAGCCTGCTGTCA-3'

ClinVar aggregate classification (germline): Benign/Likely benign. Review status: criteria provided, multiple submitters, no conflicts (2 of 4 stars). 3 submissions from 3 submitters: Benign (1); Likely benign (2). Last evaluated 2024-11-20.

Conditions:
Intellectual developmental disorder, autosomal recessive 5. Also called: Intellectual disability, autosomal recessive 5. Identifiers: Orphanet 88616, MedGen C1970199, MONDO:0012613, OMIM 611091.

Allele frequency attached by ClinVar (database versions not stated): gnomAD exomes 0.00049; ESP Exome Variant Server 0.00177; 1000 Genomes Project 30x 0.00203; gnomAD 0.00160 and 0.00154; TOPMed 0.00159; ExAC 0.00058; 1000 Genomes Project 0.00260.
gnomAD v4.1: 488 of 1,606,680 alleles (0.03%); highest among the groups gnomAD compares: African/African-American, 0.46%; 1 homozygote.

Submissions (3):

Women's Health and Genetics/Laboratory Corporation of America, LabCorp
Classification: Benign. Last evaluated: 2024-11-20. Review status: criteria provided, single submitter. Criteria: LabCorp Variant Classification Summary - May 2015. Collection method: clinical testing. Allele origin: germline.
Comment: Variant summary: NSUN2 c.*17G>A is located in the untranslated mRNA region downstream of the termination codon. The variant allele was found at a frequency of 0.00049 in 248898 control chromosomes, predominantly at a frequency of 0.0048 within the African or African-American subpopulation in the gnomAD database. The observed variant frequency within African or African-American control individuals in the gnomAD database exceeds the estimated maximal expected allele frequency for a pathogenic variant in NSUN2 causing an Intellectual Disability phenotype. To our knowledge, no occurrence of c.*17G>A in individuals affected with NSUN2-related conditions and no experimental evidence demonstrating its impact on protein function have been reported. ClinVar contains an entry for this variant (Variation ID: 354046). Based on the evidence outlined above, the variant was classified as benign.

Blueprint Genetics
Classification: Likely benign. Last evaluated: 2024-11-14. Review status: criteria provided, single submitter. Criteria: ACMG Guidelines, 2015. Collection method: clinical testing. Allele origin: germline.

Illumina Laboratory Services, Illumina
Classification: Likely benign for Intellectual developmental disorder, autosomal recessive 5. Last evaluated: 2018-01-13. Review status: criteria provided, single submitter. Criteria: ICSL Variant Classification Criteria 13 December 2019. Collection method: clinical testing. Allele origin: germline.
Comment: This variant was observed in the ICSL laboratory as part of a predisposition screen in an ostensibly healthy population. It had not been previously curated by ICSL or reported in the Human Gene Mutation Database (HGMD: prior to June 1st, 2018), and was therefore a candidate for classification through an automated scoring system. Utilizing variant allele frequency, disease prevalence and penetrance estimates, and inheritance mode, an automated score was calculated to assess if this variant is too frequent to cause the disease. Based on the score and internal cut-off values, a variant classified as likely benign is not then subjected to further curation. The score for this variant resulted in a classification of likely benign for this disease.